The following is an entry in ClinVar:

ClinVar aggregate classification (germline): Likely benign (1 of 4 stars; one submission).

Conditions:
Catecholaminergic polymorphic ventricular tachycardia (CVPT). Also called: Catecholamine-induced polymorphic ventricular tachycardia. Identifiers: Orphanet 3286, MedGen C5574922, MONDO:0017990.

Submission:

All of Us Research Program, National Institutes of Health
Classification: Likely benign for Catecholaminergic polymorphic ventricular tachycardia. Last evaluated: 2024-03-14. Review status: criteria provided, single submitter. Criteria: ACMG Guidelines, 2015. Collection method: clinical testing. Allele origin: germline. Inheritance: Autosomal dominant inheritance. Observed: 1 variant allele, 1 heterozygote.
Comment: This study involves interpretation of variants in research participants for the purpose of population health screening. Participant phenotype was not available at the time of variant classification. Additional details can be found in publication PMID: 35346344, PMCID: PMC8962531

NM_001035.3(RYR2):c.12348G>A (p.Gln4116=)

Gene: RYR2 (ryanodine receptor 2; plus strand). Cytogenetic location: 1q43.
Variant type: single nucleotide variant.
Coding change: c.12348G>A on transcript NM_001035.3 (MANE Select); coding-DNA position 12348, G replaced by A.
Protein change: p.Gln4116=; no amino-acid change (glutamine 4116 retained).
Molecular consequence: synonymous variant.
Genome position (GRCh38, 1-based): chr1:237,784,060, G>A. VCF-style: chr1-237784060-G-A. GRCh37 (hg19) VCF-style: chr1-237947360-G-A.
Identifiers: ClinVar variation 3385854 (VCV003385854.1).
Genomic context (GRCh38, chr1:237,784,060, plus strand): 5'-CAACGTCGCCGTCCTTCTGACAAACCTCTCTGAGCACATGCCCAACGATACCCGACTTCA[G>A]ACTTTTCTGGAATTAGCAGAGAGCGTCCTGAATTATTTCCAGCCCTTTCTGGGCCGCATC-3'
Protein context (NP_001026.2, residues 4106-4126): SEHMPNDTRL[Gln4116=]TFLELAESVL